The following is an entry in ClinVar:

NM_002160.4(TNC):c.2374G>T (p.Gly792Cys)

Gene: TNC (tenascin C; minus strand). Cytogenetic location: 9q33.1.
Variant type: single nucleotide variant.
Coding change: c.2374G>T on transcript NM_002160.4 (MANE Select); coding-DNA position 2374, G replaced by T.
Protein change: p.Gly792Cys; replaces glycine 792 with cysteine.
Molecular consequence: missense variant.
Genome position (GRCh38, 1-based): chr9:115,081,802, C>A on the plus strand (G>T on the coding strand, the complement: TNC is on the minus strand). VCF-style: chr9-115081802-C-A. GRCh37 (hg19) VCF-style: chr9-117844081-C-A.
Other names: short protein forms G792C.
Identifiers: ClinVar variation 805674 (VCV000805674.7), dbSNP rs150868783, ClinGen allele CA5208551.

ClinVar aggregate classification (germline): Conflicting classifications of pathogenicity. Review status: criteria provided, conflicting classifications (1 of 4 stars). 5 submissions from 5 submitters: Uncertain significance (1); Benign (1); Likely benign (2). 1 of the submissions does not count toward it. Last evaluated 2024-11-27.

Conditions:
TNC-related disorder. Also called: TNC-related condition.
Autosomal dominant nonsyndromic hearing loss 56. Also called: Deafness, autosomal dominant 56. Identifiers: Orphanet 90635, MedGen C3810170, MONDO:0014283, OMIM 615629.

Allele frequency attached by ClinVar (database versions not stated): ESP Exome Variant Server 0.00046; gnomAD exomes 0.00053; ExAC 0.00054; TOPMed 0.00081; gnomAD 0.00131.

Submissions (5):

Blueprint Genetics
Classification: Likely benign. Last evaluated: 2024-11-27. Review status: criteria provided, single submitter. Criteria: ACMG Guidelines, 2015. Collection method: clinical testing. Allele origin: germline.

GeneDx
Classification: Likely benign. Last evaluated: 2020-03-24. Review status: criteria provided, single submitter. Criteria: GeneDx Variant Classification Process June 2021. Collection method: clinical testing. Allele origin: germline. Affected: yes.

Athena Diagnostics
Classification: Benign. Last evaluated: 2019-04-19. Review status: criteria provided, single submitter. Criteria: Athena Diagnostics Criteria. Collection method: clinical testing. Allele origin: germline.

Institute of Human Genetics, University of Leipzig Medical Center
Classification: Uncertain significance for Autosomal dominant nonsyndromic hearing loss 56. Last evaluated: 2016-10-19. Review status: criteria provided, single submitter. Criteria: ACMG Guidelines, 2015. Collection method: clinical testing. Allele origin: germline. Affected: yes. Observed: 1 variant allele.

PreventionGenetics, part of Exact Sciences
Classification: Likely benign for TNC-related condition. Last evaluated: 2023-02-20. Review status: no assertion criteria provided. Collection method: clinical testing. Allele origin: germline. Not counted in ClinVar's aggregate classification.
Comment: This variant is classified as likely benign based on ACMG/AMP sequence variant interpretation guidelines (Richards et al. 2015 PMID: 25741868, with internal and published modifications).